The following is an entry in ClinVar:

ClinVar aggregate classification (germline): Uncertain significance (1 of 4 stars; one submission).

Submission:

GeneDx
Classification: Uncertain significance. Last evaluated: 2025-03-24. Review status: criteria provided, single submitter. Criteria: GeneDx Variant Classification Process June 2021. Collection method: clinical testing. Allele origin: germline. Affected: yes.
Comment: Not observed at significant frequency in large population cohorts (gnomAD); Canonical splice site variant in a gene or region of a gene for which loss of function is not a well-established mechanism of disease; Has not been previously published as pathogenic or benign to our knowledge

NM_004333.6(BRAF):c.1517+2T>C

Gene: BRAF (B-Raf proto-oncogene, serine/threonine kinase; minus strand). Cytogenetic location: 7q34.
Variant type: single nucleotide variant.
Coding change: c.1517+2T>C on transcript NM_004333.6 (MANE Select); the canonical splice donor site of the intron after coding-DNA position 1517, T replaced by C.
Molecular consequence: splice donor variant.
Genome position (GRCh38, 1-based): chr7:140,777,989, A>G on the plus strand (T>C on the coding strand, the complement: BRAF is on the minus strand). VCF-style: chr7-140777989-A-G. GRCh37 (hg19) VCF-style: chr7-140477789-A-G.
Other names: c.1517+2T>C (NM_001378474.1, NM_001378468.1, NM_001354609.2); c.1415+2T>C (NM_001378470.1); c.1253+2T>C (NM_001378475.1); c.1406+2T>C (NM_001378471.1); c.1637+2T>C (NM_001374258.1, NM_001374244.1); c.1526+2T>C (NM_001378467.1); c.1361+2T>C (NM_001378472.1, NM_001378473.1); c.1451+2T>C (NM_001378469.1).
Identifiers: ClinVar variation 4088164 (VCV004088164.1).